The following is an entry in ClinVar:

ClinVar aggregate classification (germline): Likely benign. Review status: criteria provided, single submitter (1 of 4 stars). 2 submissions from 2 submitters: Likely benign (1). 1 of the submissions does not count toward it. Last evaluated 2024-02-20.

Conditions:
MPLKIP-related disorder. Also called: MPLKIP-related condition.

gnomAD v4.1: 3 of 1,558,288 alleles (0.00019%); highest among the groups gnomAD compares: African/African-American, 0.0027%; no homozygotes.

Submissions (2):

Labcorp Genetics (formerly Invitae), Labcorp
Classification: Likely benign. Last evaluated: 2024-02-20. Review status: criteria provided, single submitter. Criteria: Invitae Variant Classification Sherloc (09022015). Collection method: clinical testing. Allele origin: germline.

PreventionGenetics, part of Exact Sciences
Classification: Likely benign for MPLKIP-related condition. Last evaluated: 2020-04-02. Review status: no assertion criteria provided. Collection method: clinical testing. Allele origin: germline. Not counted in ClinVar's aggregate classification.
Comment: This variant is classified as likely benign based on ACMG/AMP sequence variant interpretation guidelines (Richards et al. 2015 PMID: 25741868, with internal and published modifications).

NM_138701.4(MPLKIP):c.267C>T (p.Ser89=)

Gene: MPLKIP (M-phase specific PLK1 interacting protein; minus strand). Cytogenetic location: 7p14.1.
Variant type: single nucleotide variant.
Coding change: c.267C>T on transcript NM_138701.4 (MANE Select); coding-DNA position 267, C replaced by T.
Protein change: p.Ser89=; no amino-acid change (serine 89 retained).
Molecular consequence: synonymous variant.
Genome position (GRCh38, 1-based): chr7:40,134,301, G>A on the plus strand (C>T on the coding strand, the complement: MPLKIP is on the minus strand). VCF-style: chr7-40134301-G-A. GRCh37 (hg19) VCF-style: chr7-40173900-G-A.
Other names: c.267C>T (NM_138701.3).
Identifiers: ClinVar variation 2415978 (VCV002415978.9), dbSNP rs757220728, ClinGen allele CA454825033.